The following is an entry in ClinVar:

NM_001035.3(RYR2):c.6229G>C (p.Asp2077His)

Gene: RYR2 (ryanodine receptor 2; plus strand). Cytogenetic location: 1q43.
Variant type: single nucleotide variant.
Coding change: c.6229G>C on transcript NM_001035.3 (MANE Select); coding-DNA position 6229, G replaced by C.
Protein change: p.Asp2077His; replaces aspartic acid 2077 with histidine.
Molecular consequence: missense variant.
Genome position (GRCh38, 1-based): chr1:237,627,869, G>C. VCF-style: chr1-237627869-G-C. GRCh37 (hg19) VCF-style: chr1-237791169-G-C.
Other names: short protein forms D2077H.
Identifiers: ClinVar variation 3072190 (VCV003072190.1), dbSNP rs2546888117, ClinGen allele CA345410585.

ClinVar aggregate classification (germline): Uncertain significance (1 of 4 stars; one submission).

Conditions:
Catecholaminergic polymorphic ventricular tachycardia (CVPT). Also called: Catecholamine-induced polymorphic ventricular tachycardia. Identifiers: Orphanet 3286, MedGen C5574922, MONDO:0017990.

Submission:

All of Us Research Program, National Institutes of Health
Classification: Uncertain significance for Catecholaminergic polymorphic ventricular tachycardia. Last evaluated: 2023-06-26. Review status: criteria provided, single submitter. Criteria: ACMG Guidelines, 2015. Collection method: clinical testing. Allele origin: germline. Inheritance: Autosomal dominant inheritance. Observed: 1 variant allele, 1 heterozygote.
Comment: This missense variant replaces aspartic acid with histidine at codon 2077 of the RYR2 protein. Computational prediction suggests that this variant may have deleterious impact on protein structure and function (internally defined REVEL score threshold >= 0.7, PMID: 27666373). To our knowledge, functional studies have not been reported for this variant. This variant has not been reported in individuals affected with RYR2-related disorders in the literature. This variant has not been identified in the general population by the Genome Aggregation Database (gnomAD). The available evidence is insufficient to determine the role of this variant in disease conclusively. Therefore, this variant is classified as a Variant of Uncertain Significance.

This study involves interpretation of variants in research participants for the purpose of population health screening. Participant phenotype was not available at the time of variant classification. Additional details can be found in publication PMID: 35346344, PMCID: PMC8962531